The following is an entry in ClinVar:

ClinVar aggregate classification (germline): Uncertain significance (1 of 4 stars; one submission).

Conditions:
Familial thoracic aortic aneurysm and aortic dissection (TAAD). Also called: Thoracic aortic aneurysms and dissections. Identifiers: Orphanet 91387, MedGen C4707243, MONDO:0019625.

Allele frequency attached by ClinVar (database versions not stated): gnomAD exomes 0.00002.
gnomAD v4.1: 22 of 1,611,946 alleles (0.0014%); highest among the groups gnomAD compares: South Asian, 0.0022%; no homozygotes.

Submission:

Ambry Genetics
Classification: Uncertain significance for Familial thoracic aortic aneurysm and aortic dissection. Last evaluated: 2023-06-03. Review status: criteria provided, single submitter. Criteria: Ambry Variant Classification Scheme 2023. Collection method: clinical testing. Allele origin: germline.
Comment: The p.T349I variant (also known as c.1046C>T), located in coding exon 6 of the NOTCH1 gene, results from a C to T substitution at nucleotide position 1046. The threonine at codon 349 is replaced by isoleucine, an amino acid with similar properties. This amino acid position is conserved. In addition, this alteration is predicted to be deleterious by in silico analysis. Since supporting evidence is limited at this time, the clinical significance of this alteration remains unclear.

NM_017617.5(NOTCH1):c.1046C>T (p.Thr349Ile)

Gene: NOTCH1 (notch receptor 1; minus strand). Cytogenetic location: 9q34.3.
Variant type: single nucleotide variant.
Coding change: c.1046C>T on transcript NM_017617.5 (MANE Select); coding-DNA position 1046, C replaced by T.
Protein change: p.Thr349Ile; replaces threonine 349 with isoleucine.
Molecular consequence: missense variant.
Genome position (GRCh38, 1-based): chr9:136,518,644, G>A on the plus strand (C>T on the coding strand, the complement: NOTCH1 is on the minus strand). VCF-style: chr9-136518644-G-A. GRCh37 (hg19) VCF-style: chr9-139413096-G-A.
Other names: short protein forms T349I.
Identifiers: ClinVar variation 2566660 (VCV002566660.2), dbSNP rs921581843, ClinGen allele CA201587677.